The following is an entry in ClinVar:

NM_001039591.3(USP9X):c.6084C>T (p.Pro2028=)

Gene: USP9X (ubiquitin specific peptidase 9 X-linked; plus strand). Cytogenetic location: Xp11.4.
Variant type: single nucleotide variant.
Coding change: c.6084C>T on transcript NM_001039591.3 (MANE Select); coding-DNA position 6084, C replaced by T.
Protein change: p.Pro2028=; no amino-acid change (proline 2028 retained).
Molecular consequence: synonymous variant.
Genome position (GRCh38, 1-based): chrX:41,216,651, C>T. VCF-style: chrX-41216651-C-T. GRCh37 (hg19) VCF-style: chrX-41075904-C-T.
Other names: c.6084C>T, p.Pro2028= (NM_001039590.3).
Identifiers: ClinVar variation 377155 (VCV000377155.15), dbSNP rs146661515, ClinGen allele CA10389045.
Genomic context (GRCh38, chrX:41,216,651, plus strand): 5'-GTATTTTCAGTTTATGAAAAAACTGCTTACATGTAATGGCGTTTACTTAAACCCTCCTCC[C>T]GGTGAGTATCAAGAGAGTTTAGCTTCTTAGTAATAAAGAATAATTTATAGTAGGCGTCAA-3'
Protein context (NP_001034680.2, residues 2018-2038): TCNGVYLNPP[Pro2028=]GQDHLLPEAE

ClinVar aggregate classification (germline): Benign/Likely benign. Review status: criteria provided, multiple submitters, no conflicts (2 of 4 stars). 5 submissions from 5 submitters: Benign (1); Likely benign (2). 2 of the submissions do not count toward it. Last evaluated 2026-01-12.

Allele frequency attached by ClinVar (database versions not stated): 1000 Genomes Project 30x 0.00083; TOPMed 0.00085; 1000 Genomes Project 0.00106; ESP Exome Variant Server 0.00132; gnomAD 0.00271 and 0.00282; gnomAD exomes 0.00420; ExAC 0.00430.

Submissions (5):

Labcorp Genetics (formerly Invitae), Labcorp
Classification: Benign. Last evaluated: 2026-01-12. Review status: criteria provided, single submitter. Criteria: Invitae Variant Classification Sherloc (09022015). Collection method: clinical testing. Allele origin: germline.

GeneDx
Classification: Likely benign. Last evaluated: 2020-11-24. Review status: criteria provided, single submitter. Criteria: GeneDx Variant Classification Process June 2021. Collection method: clinical testing. Allele origin: germline. Affected: yes.

Center for Pediatric Genomic Medicine, Children's Mercy Hospital and Clinics
Classification: Likely benign. Last evaluated: 2017-02-15. Review status: criteria provided, single submitter. Criteria: ACMG Guidelines, 2015. Collection method: clinical testing. Allele origin: germline.
ClinVar note: Converted during submission from Likely Benign to Likely benign.

Clinical Genetics DNA and cytogenetics Diagnostics Lab, Erasmus MC, Erasmus Medical Center
Classification: Likely benign. Review status: no assertion criteria provided. Collection method: clinical testing. Allele origin: germline. Affected: yes. Study: VKGL Data-share Consensus. Not counted in ClinVar's aggregate classification.

Laboratory of Diagnostic Genome Analysis, Leiden University Medical Center (LUMC)
Classification: Likely benign. Review status: no assertion criteria provided. Collection method: clinical testing. Allele origin: germline. Affected: yes. Study: VKGL Data-share Consensus. Not counted in ClinVar's aggregate classification.